The following is an entry in ClinVar:

NM_000512.5(GALNS):c.1487G>C (p.Trp496Ser)

Gene: GALNS (galactosamine (N-acetyl)-6-sulfatase; minus strand). Cytogenetic location: 16q24.3.
Variant type: single nucleotide variant.
Coding change: c.1487G>C on transcript NM_000512.5 (MANE Select); coding-DNA position 1487, G replaced by C.
Protein change: p.Trp496Ser; replaces tryptophan 496 with serine.
Molecular consequence: missense variant.
Genome position (GRCh38, 1-based): chr16:88,814,521, C>G on the plus strand (G>C on the coding strand, the complement: GALNS is on the minus strand). VCF-style: chr16-88814521-C-G. GRCh37 (hg19) VCF-style: chr16-88880929-C-G.
Other names: c.932G>C, p.Trp311Ser (NM_001323543.2); c.1505G>C, p.Trp502Ser (NM_001323544.2); short protein forms W311S, W502S, W496S.
Identifiers: ClinVar variation 2103744 (VCV002103744.4), dbSNP rs2508281481, ClinGen allele CA397092699.

ClinVar aggregate classification (germline): Likely pathogenic (1 of 4 stars; one submission).

Conditions:
Mucopolysaccharidosis, MPS-IV-A (MPS4A). Also called: Morquio syndrome A, mild; MORQUIO SYNDROME A; GALACTOSAMINE-6-SULFATASE DEFICIENCY; GALNS DEFICIENCY; MORQUIO A DISEASE; Mucopolysaccharidosis type IV A. Identifiers: Orphanet 309297, Orphanet 582, MedGen C0086651, MONDO:0009659, OMIM 253000.

Submission:

Labcorp Genetics (formerly Invitae), Labcorp
Classification: Likely pathogenic for Mucopolysaccharidosis, MPS-IV-A. Last evaluated: 2022-04-11. Review status: criteria provided, single submitter. Criteria: Invitae Variant Classification Sherloc (09022015). Collection method: clinical testing. Allele origin: germline.
Comment: In summary, the currently available evidence indicates that the variant is pathogenic, but additional data are needed to prove that conclusively. Therefore, this variant has been classified as Likely Pathogenic. This sequence change replaces tryptophan, which is neutral and slightly polar, with serine, which is neutral and polar, at codon 496 of the GALNS protein (p.Trp496Ser). This variant is not present in population databases (gnomAD no frequency). This missense change has been observed in individual(s) with mucopolysaccharidosis type IVA (Invitae). In at least one individual the data is consistent with being in trans (on the opposite chromosome) from a pathogenic variant. Advanced modeling of protein sequence and biophysical properties (such as structural, functional, and spatial information, amino acid conservation, physicochemical variation, residue mobility, and thermodynamic stability) performed at Invitae indicates that this missense variant is expected to disrupt GALNS protein function.